The following is an entry in ClinVar:

ClinVar aggregate classification (germline): Uncertain significance (1 of 4 stars; one submission).

Conditions:
Hereditary cancer-predisposing syndrome. Also called: Neoplastic Syndromes, Hereditary; Tumor predisposition; Hereditary Cancer Syndrome; Hereditary neoplastic syndrome. Identifiers: Orphanet 140162, MedGen C0027672, MeSH D009386, MONDO:0015356.

Submission:

Ambry Genetics
Classification: Uncertain significance for Hereditary cancer-predisposing syndrome. Last evaluated: 2020-01-16. Review status: criteria provided, single submitter. Criteria: Ambry Variant Classification Scheme 2023. Collection method: clinical testing. Allele origin: germline.
Comment: The p.S1104P variant (also known as c.3310T>C), located in coding exon 22 of the ATM gene, results from a T to C substitution at nucleotide position 3310. The serine at codon 1104 is replaced by proline, an amino acid with similar properties. This variant was not reported in population-based cohorts in the Genome Aggregation Database (gnomAD). This amino acid position is poorly conserved in available vertebrate species. In addition, this alteration is predicted to be tolerated by in silico analysis. Since supporting evidence is limited at this time, the clinical significance of this alteration remains unclear.

NM_000051.4(ATM):c.3310T>C (p.Ser1104Pro)

Gene: ATM (ATM serine/threonine kinase; plus strand). Cytogenetic location: 11q22.3.
Variant type: single nucleotide variant.
Coding change: c.3310T>C on transcript NM_000051.4 (MANE Select); coding-DNA position 3310, T replaced by C.
Protein change: p.Ser1104Pro; replaces serine 1104 with proline.
Molecular consequence: missense variant.
Genome position (GRCh38, 1-based): chr11:108,279,516, T>C. VCF-style: chr11-108279516-T-C. GRCh37 (hg19) VCF-style: chr11-108150243-T-C.
Other names: c.3310T>C, p.Ser1104Pro (NM_001351834.2); short protein forms S1104P.
Identifiers: ClinVar variation 1730091 (VCV001730091.2), dbSNP rs2546861821, ClinGen allele CA382517410.
Genomic context (GRCh38, chr11:108,279,516, plus strand): 5'-ACTTTTTGTTTGTTTGTTTGCTTGCTTGTTTTAAGATTGTTCCAGGACACGAAGGGAGAT[T>C]CTTCCAGGTTACTGAAAGCACTTCCTTTGAAGCTTCAGCAAACAGCTTTTGAAAATGCAT-3'
Protein context (NP_000042.3, residues 1094-1114): NRLFQDTKGD[Ser1104Pro]SRLLKALPLK